The following is an entry in ClinVar:

ClinVar aggregate classification (germline): Uncertain significance (1 of 4 stars; one submission).

Allele frequency attached by ClinVar (database versions not stated): gnomAD exomes below 0.00001; TOPMed below 0.00001; ExAC 0.00001; gnomAD 0.00001; ESP Exome Variant Server 0.00008.

Submission:

Labcorp Genetics (formerly Invitae), Labcorp
Classification: Uncertain significance. Last evaluated: 2023-11-11. Review status: criteria provided, single submitter. Criteria: Invitae Variant Classification Sherloc (09022015). Collection method: clinical testing. Allele origin: germline.
Comment: This sequence change affects codon 1559 of the CLTC mRNA. It is a 'silent' change, meaning that it does not change the encoded amino acid sequence of the CLTC protein. This variant is present in population databases (rs138332955, gnomAD 0.0009%). This variant has not been reported in the literature in individuals affected with CLTC-related conditions. Algorithms developed to predict the effect of sequence changes on RNA splicing suggest that this variant may create or strengthen a splice site. In summary, the available evidence is currently insufficient to determine the role of this variant in disease. Therefore, it has been classified as a Variant of Uncertain Significance.

NM_004859.4(CLTC):c.4665G>A (p.Gln1555=)

Gene: CLTC (clathrin heavy chain; plus strand). Cytogenetic location: 17q23.1.
Variant type: single nucleotide variant.
Coding change: c.4665G>A on transcript NM_004859.4 (MANE Select); coding-DNA position 4665, G replaced by A.
Protein change: p.Gln1555=; no amino-acid change (glutamine 1555 retained).
Molecular consequence: synonymous variant.
Genome position (GRCh38, 1-based): chr17:59,685,646, G>A. VCF-style: chr17-59685646-G-A. GRCh37 (hg19) VCF-style: chr17-57763007-G-A.
Other names: c.4677G>A, p.Gln1559= (NM_001288653.2).
Identifiers: ClinVar variation 2694970 (VCV002694970.3), dbSNP rs138332955, ClinGen allele CA8681783.